The following is an entry in ClinVar:

NM_003573.2(LTBP4):c.71C>T (p.Ser24Phe)

Gene: LTBP4 (latent transforming growth factor beta binding protein 4; plus strand). Cytogenetic location: 19q13.2.
Variant type: single nucleotide variant.
Coding change: c.71C>T on transcript NM_003573.2; coding-DNA position 71, C replaced by T.
Protein change: p.Ser24Phe; replaces serine 24 with phenylalanine.
Molecular consequence: missense variant. On other transcripts: synonymous variant (1).
Genome position (GRCh38, 1-based): chr19:40,599,251, C>T. VCF-style: chr19-40599251-C-T. GRCh37 (hg19) VCF-style: chr19-41105157-C-T.
Other names: c.201C>T, p.Ile67= (NM_001042544.1); short protein forms S24F.
Identifiers: ClinVar variation 1310651 (VCV001310651.4), dbSNP rs372328106, ClinGen allele CA9447920.

ClinVar aggregate classification (germline): Uncertain significance (1 of 4 stars; one submission).

Allele frequency attached by ClinVar (database versions not stated): gnomAD exomes 0.00001; gnomAD 0.00001; ESP Exome Variant Server 0.00008; ExAC 0.00001; TOPMed 0.00002.
gnomAD v4.1: 10 of 1,613,486 alleles (0.00062%); highest among the groups gnomAD compares: African/African-American, 0.0013%; no homozygotes.

Submission:

GeneDx
Classification: Uncertain significance. Last evaluated: 2019-11-27. Review status: criteria provided, single submitter. Criteria: GeneDx Variant Classification Process June 2021. Collection method: clinical testing. Allele origin: germline. Affected: yes.
Comment: Has not been previously published as pathogenic or benign to our knowledge; Not observed at a significant frequency in large population cohorts (Lek et al., 2016); In silico analysis, which includes protein predictors and evolutionary conservation, supports that this variant does not alter protein structure/function